The following is an entry in ClinVar:

NM_001040108.2(MLH3):c.884G>A (p.Arg295Gln)

Gene: MLH3 (mutL homolog 3; minus strand). Cytogenetic location: 14q24.3.
Variant type: single nucleotide variant.
Coding change: c.884G>A on transcript NM_001040108.2 (MANE Select); coding-DNA position 884, G replaced by A.
Protein change: p.Arg295Gln; replaces arginine 295 with glutamine.
Molecular consequence: missense variant.
Genome position (GRCh38, 1-based): chr14:75,048,772, C>T on the plus strand (G>A on the coding strand, the complement: MLH3 is on the minus strand). VCF-style: chr14-75048772-C-T. GRCh37 (hg19) VCF-style: chr14-75515475-C-T.
Other names: c.884G>A, p.Arg295Gln (NM_014381.3); short protein forms R295Q.
Identifiers: ClinVar variation 570956 (VCV000570956.12), dbSNP rs774323111, ClinGen allele CA7275953.

ClinVar aggregate classification (germline): Uncertain significance. Review status: criteria provided, multiple submitters, no conflicts (2 of 4 stars). 2 submissions from 2 submitters: Uncertain significance (2). Last evaluated 2024-12-03.

Conditions:
Colorectal cancer, hereditary nonpolyposis, type 7. Identifiers: Orphanet 144, MedGen C1858380, MONDO:0013725, OMIM 614385.

Allele frequency attached by ClinVar (database versions not stated): gnomAD exomes 0.00004 and 0.00001; TOPMed 0.00004; ExAC 0.00002.
gnomAD v4.1: 16 of 1,613,920 alleles (0.00099%); highest among the groups gnomAD compares: East Asian, 0.0089%; no homozygotes.

Submissions (2):

Ambry Genetics
Classification: Uncertain significance. Last evaluated: 2024-12-03. Review status: criteria provided, single submitter. Criteria: Ambry Variant Classification Scheme 2023. Collection method: clinical testing. Allele origin: germline.
Comment: The p.R295Q variant (also known as c.884G>A), located in coding exon 1 of the MLH3 gene, results from a G to A substitution at nucleotide position 884. The arginine at codon 295 is replaced by glutamine, an amino acid with highly similar properties. This amino acid position is highly conserved through mammals, but not all available vertebrate species. In addition, this alteration is predicted to be tolerated by in silico analysis. The evidence for this gene-disease relationship is limited; therefore, the clinical significance of this alteration is unclear.

Labcorp Genetics (formerly Invitae), Labcorp
Classification: Uncertain significance for Colorectal cancer, hereditary nonpolyposis, type 7. Last evaluated: 2024-04-29. Review status: criteria provided, single submitter. Criteria: Invitae Variant Classification Sherloc (09022015). Collection method: clinical testing. Allele origin: germline.
Comment: This sequence change replaces arginine, which is basic and polar, with glutamine, which is neutral and polar, at codon 295 of the MLH3 protein (p.Arg295Gln). This variant is present in population databases (rs774323111, gnomAD 0.03%). This variant has not been reported in the literature in individuals affected with MLH3-related conditions. ClinVar contains an entry for this variant (Variation ID: 570956). An algorithm developed to predict the effect of missense changes on protein structure and function (PolyPhen-2) suggests that this variant is likely to be disruptive. In summary, the available evidence is currently insufficient to determine the role of this variant in disease. Therefore, it has been classified as a Variant of Uncertain Significance.